The following is an entry in ClinVar:

ClinVar aggregate classification (germline): Uncertain significance (1 of 4 stars; one submission).

Allele frequency attached by ClinVar (database versions not stated): TOPMed below 0.00001; gnomAD exomes 0.00001.
gnomAD v4.1: 3 of 1,614,200 alleles (0.00019%); highest among the groups gnomAD compares: Admixed American, 0.0033%; no homozygotes.

Submission:

Labcorp Genetics (formerly Invitae), Labcorp
Classification: Uncertain significance. Last evaluated: 2024-05-09. Review status: criteria provided, single submitter. Criteria: Invitae Variant Classification Sherloc (09022015). Collection method: clinical testing. Allele origin: germline.
Comment: This sequence change replaces isoleucine, which is neutral and non-polar, with valine, which is neutral and non-polar, at codon 3605 of the FAT4 protein (p.Ile3605Val). This variant is not present in population databases (gnomAD no frequency). This variant has not been reported in the literature in individuals affected with FAT4-related conditions. ClinVar contains an entry for this variant (Variation ID: 1504300). Advanced modeling of protein sequence and biophysical properties (such as structural, functional, and spatial information, amino acid conservation, physicochemical variation, residue mobility, and thermodynamic stability) performed at Invitae indicates that this missense variant is not expected to disrupt FAT4 protein function with a negative predictive value of 80%. In summary, the available evidence is currently insufficient to determine the role of this variant in disease. Therefore, it has been classified as a Variant of Uncertain Significance.

NM_001291303.3(FAT4):c.10819A>G (p.Ile3607Val)

Gene: FAT4 (FAT atypical cadherin 4; plus strand). Cytogenetic location: 4q28.1.
Variant type: single nucleotide variant.
Coding change: c.10819A>G on transcript NM_001291303.3 (MANE Select); coding-DNA position 10819, A replaced by G.
Protein change: p.Ile3607Val; replaces isoleucine 3607 with valine.
Molecular consequence: missense variant.
Genome position (GRCh38, 1-based): chr4:125,451,829, A>G. VCF-style: chr4-125451829-A-G. GRCh37 (hg19) VCF-style: chr4-126372984-A-G.
Other names: c.10819A>G, p.Ile3607Val (NM_001291285.3); c.10813A>G, p.Ile3605Val (NM_024582.6); short protein forms I3607V, I3605V.
Identifiers: ClinVar variation 1504300 (VCV001504300.6), dbSNP rs945820499, ClinGen allele CA104882710.